The following is an entry in ClinVar:

NM_001378414.1(HDAC4):c.2814C>T (p.Phe938=)

Gene: HDAC4 (histone deacetylase 4; minus strand). Cytogenetic location: 2q37.3.
Variant type: single nucleotide variant.
Coding change: c.2814C>T on transcript NM_001378414.1 (MANE Select); coding-DNA position 2814, C replaced by T.
Protein change: p.Phe938=; no amino-acid change (phenylalanine 938 retained).
Molecular consequence: synonymous variant.
Genome position (GRCh38, 1-based): chr2:239,068,544, G>A on the plus strand (C>T on the coding strand, the complement: HDAC4 is on the minus strand). VCF-style: chr2-239068544-G-A. GRCh37 (hg19) VCF-style: chr2-239990240-G-A.
Other names: c.2814C>T, p.Phe938= (NM_001378415.1); c.2799C>T, p.Phe933= (NM_001378416.1, NM_001378417.1, NM_006037.4).
Identifiers: ClinVar variation 706588 (VCV000706588.5), dbSNP rs200904817, ClinGen allele CA2199182.

ClinVar aggregate classification (germline): Likely benign. Review status: criteria provided, single submitter (1 of 4 stars). 2 submissions from 2 submitters: Likely benign (1). 1 of the submissions does not count toward it. Last evaluated 2018-08-21.

Conditions:
HDAC4-related disorder. Also called: HDAC4-related condition.

Allele frequency attached by ClinVar (database versions not stated): gnomAD below 0.00001 and 0.00001; TOPMed 0.00001; gnomAD exomes 0.00004 and 0.00010; ExAC 0.00007.
gnomAD v4.1: 64 of 1,613,932 alleles (0.004%); highest among the groups gnomAD compares: South Asian, 0.041%; no homozygotes.

Submissions (2):

Labcorp Genetics (formerly Invitae), Labcorp
Classification: Likely benign. Last evaluated: 2018-08-21. Review status: criteria provided, single submitter. Criteria: Invitae Variant Classification Sherloc (09022015). Collection method: clinical testing. Allele origin: germline.

PreventionGenetics, part of Exact Sciences
Classification: Likely benign for HDAC4-related condition. Last evaluated: 2019-11-16. Review status: no assertion criteria provided. Collection method: clinical testing. Allele origin: germline. Not counted in ClinVar's aggregate classification.
Comment: This variant is classified as likely benign based on ACMG/AMP sequence variant interpretation guidelines (Richards et al. 2015 PMID: 25741868, with internal and published modifications).